The following is an entry in ClinVar:

ClinVar aggregate classification (germline): Benign/Likely benign. Review status: criteria provided, multiple submitters, no conflicts (2 of 4 stars). 4 submissions from 4 submitters: Benign (1); Likely benign (3). Last evaluated 2026-02-04.

Conditions:
PHKA1-related disorder. Also called: PHKA1-related condition.
Glycogen storage disease IXd (GSD9D). Also called: GSD IXd; Muscle Phosphorylase Kinase Deficiency. Identifiers: Orphanet 715, MedGen C1845151, MONDO:0010362, OMIM 300559.

Allele frequency attached by ClinVar (database versions not stated): gnomAD 0.00005 and 0.00008; ESP Exome Variant Server 0.00009; TOPMed 0.00009.
gnomAD v4.1: 64 of 1,176,992 alleles (0.0054%); highest among the groups gnomAD compares: Admixed American, 0.035%; no homozygotes.

Submissions (4):

Labcorp Genetics (formerly Invitae), Labcorp
Classification: Likely benign for Glycogen storage disease IXd. Last evaluated: 2026-02-04. Review status: criteria provided, single submitter. Criteria: Invitae Variant Classification Sherloc (09022015). Collection method: clinical testing. Allele origin: germline.

PreventionGenetics, part of Exact Sciences
Classification: Likely benign for PHKA1-related condition. Last evaluated: 2025-02-04. Review status: criteria provided, single submitter. Criteria: ACMG Guidelines, 2015. Collection method: clinical testing. Allele origin: germline.
Comment: This variant is classified as likely benign based on ACMG/AMP sequence variant interpretation guidelines (Richards et al. 2015 PMID: 25741868, with internal and published modifications).

CeGaT Center for Human Genetics Tuebingen
Classification: Likely benign. Last evaluated: 2022-12-01. Review status: criteria provided, single submitter. Criteria: CeGaT Center For Human Genetics Tuebingen Variant Classification Criteria Version 2. Collection method: clinical testing. Allele origin: germline. Affected: yes. Observed: 1 variant allele.
Comment: PHKA1: BP4, BP7, BS2

Illumina Laboratory Services, Illumina
Classification: Benign for Glycogen storage disease IXd. Last evaluated: 2018-03-06. Review status: criteria provided, single submitter. Criteria: ICSL Variant Classification Criteria 13 December 2019. Collection method: clinical testing. Allele origin: germline.
Comment: This variant was observed in the ICSL laboratory as part of a predisposition screen in an ostensibly healthy population. It had not been previously curated by ICSL or reported in the Human Gene Mutation Database (HGMD: prior to June 1st, 2018), and was therefore a candidate for classification through an automated scoring system. Utilizing variant allele frequency, disease prevalence and penetrance estimates, and inheritance mode, an automated score was calculated to assess if this variant is too frequent to cause the disease. Based on the score and internal cut-off values, a variant classified as benign is not then subjected to further curation. The score for this variant resulted in a classification of benign for this disease.

NM_002637.4(PHKA1):c.2160G>A (p.Thr720=)

Gene: PHKA1 (phosphorylase kinase regulatory subunit alpha 1; minus strand). Cytogenetic location: Xq13.1.
Variant type: single nucleotide variant.
Coding change: c.2160G>A on transcript NM_002637.4 (MANE Select); coding-DNA position 2160, G replaced by A.
Protein change: p.Thr720=; no amino-acid change (threonine 720 retained).
Molecular consequence: synonymous variant.
Genome position (GRCh38, 1-based): chrX:72,619,283, C>T on the plus strand (G>A on the coding strand, the complement: PHKA1 is on the minus strand). VCF-style: chrX-72619283-C-T. GRCh37 (hg19) VCF-style: chrX-71839133-C-T.
Other names: c.2160G>A, p.Thr720= (NM_001122670.2); c.1983G>A, p.Thr661= (NM_001172436.2).
Identifiers: ClinVar variation 912574 (VCV000912574.33), dbSNP rs368071005, ClinGen allele CA10450746.